The following is an entry in ClinVar:

ClinVar aggregate classification (germline): Uncertain significance (1 of 4 stars; one submission).

gnomAD v4.1: 3 of 1,607,892 alleles (0.00019%); highest among the groups gnomAD compares: Non-Finnish European, 0.00025%; no homozygotes.

Submission:

Labcorp Genetics (formerly Invitae), Labcorp
Classification: Uncertain significance. Last evaluated: 2025-06-18. Review status: criteria provided, single submitter. Criteria: Invitae Variant Classification Sherloc (09022015). Collection method: clinical testing. Allele origin: germline.
Comment: This sequence change replaces glycine, which is neutral and non-polar, with glutamic acid, which is acidic and polar, at codon 642 of the ASXL1 protein (p.Gly642Glu). This variant is present in population databases (no rsID available, gnomAD 0.001%). This variant has not been reported in the literature in individuals affected with ASXL1-related conditions. An algorithm developed to predict the effect of missense changes on protein structure and function (PolyPhen-2) suggests that this variant is likely to be disruptive. In summary, the available evidence is currently insufficient to determine the role of this variant in disease. Therefore, it has been classified as a Variant of Uncertain Significance.

NM_015338.6(ASXL1):c.1925G>A (p.Gly642Glu)

Gene: ASXL1 (ASXL transcriptional regulator 1; plus strand). Cytogenetic location: 20q11.21.
Variant type: single nucleotide variant.
Coding change: c.1925G>A on transcript NM_015338.6 (MANE Select); coding-DNA position 1925, G replaced by A.
Protein change: p.Gly642Glu; replaces glycine 642 with glutamic acid.
Molecular consequence: missense variant.
Genome position (GRCh38, 1-based): chr20:32,434,637, G>A. VCF-style: chr20-32434637-G-A. GRCh37 (hg19) VCF-style: chr20-31022440-G-A.
Other names: c.1742G>A, p.Gly581Glu (NM_001363734.1); short protein forms G581E, G642E.
Identifiers: ClinVar variation 4721331 (VCV004721331.1).